The following is an entry in ClinVar:

NM_001145308.5(LRTOMT):c.749C>T (p.Ala250Val)

Genes: ANAPC15 (anaphase promoting complex subunit 15; minus strand), LRTOMT (leucine rich transmembrane and O-methyltransferase domain containing; plus strand), TOMT (transmembrane O-methyltransferase; plus strand). Cytogenetic location: 11q13.4.
Variant type: single nucleotide variant.
Coding change: c.749C>T on transcript NM_001145308.5; coding-DNA position 749, C replaced by T.
Protein change: p.Ala250Val; replaces alanine 250 with valine.
Molecular consequence: missense variant. On other transcripts: 3 prime UTR variant (3), non-coding transcript variant (1), intron variant (7).
Genome position (GRCh38, 1-based): chr11:72,108,798, C>T. VCF-style: chr11-72108798-C-T. GRCh37 (hg19) VCF-style: chr11-71819844-C-T.
Other names: c.650C>T, p.Ala217Val (NM_001393500.2); c.749C>T, p.Ala250Val (NM_001145309.4); c.629C>T, p.Ala210Val (NM_001145310.4); c.*21G>A (NM_001393443.1, NM_001393444.1, NM_001393445.1); c.64-1193G>A (NM_001393459.1); c.319-1193G>A (NM_001393430.1, NM_001393429.1, NM_001393428.1 and 3 more transcripts); short protein forms A210V, A250V, A217V.
Identifiers: ClinVar variation 2398672 (VCV002398672.5), dbSNP rs1484075343, ClinGen allele CA381726884.

ClinVar aggregate classification (germline): Uncertain significance. Review status: criteria provided, multiple submitters, no conflicts (2 of 4 stars). 2 submissions from 2 submitters: Uncertain significance (2). Last evaluated 2023-04-16.

Conditions:
Inborn genetic diseases. Identifiers: MedGen C0950123, MeSH D030342.

Allele frequency attached by ClinVar (database versions not stated): TOPMed 0.00001; gnomAD 0.00002.
gnomAD v4.1: 31 of 1,550,424 alleles (0.002%); highest among the groups gnomAD compares: Middle Eastern, 0.017%; no homozygotes.

Submissions (2):

Labcorp Genetics (formerly Invitae), Labcorp
Classification: Uncertain significance. Last evaluated: 2023-04-16. Review status: criteria provided, single submitter. Criteria: Invitae Variant Classification Sherloc (09022015). Collection method: clinical testing. Allele origin: germline.
Comment: This sequence change replaces alanine, which is neutral and non-polar, with valine, which is neutral and non-polar, at codon 250 of the LRTOMT protein (p.Ala250Val). This variant is present in population databases (no rsID available, gnomAD 0.009%). This variant has not been reported in the literature in individuals affected with LRTOMT-related conditions. ClinVar contains an entry for this variant (Variation ID: 2398672). Advanced modeling of protein sequence and biophysical properties (such as structural, functional, and spatial information, amino acid conservation, physicochemical variation, residue mobility, and thermodynamic stability) performed at Invitae indicates that this missense variant is not expected to disrupt LRTOMT protein function. In summary, the available evidence is currently insufficient to determine the role of this variant in disease. Therefore, it has been classified as a Variant of Uncertain Significance.

Ambry Genetics
Classification: Uncertain significance for Inborn genetic diseases. Last evaluated: 2021-08-30. Review status: criteria provided, single submitter. Criteria: Ambry Variant Classification Scheme 2023. Collection method: clinical testing. Allele origin: germline.